The following is an entry in ClinVar:

ClinVar aggregate classification (germline): Conflicting classifications of pathogenicity. Review status: criteria provided, conflicting classifications (1 of 4 stars). 4 submissions from 4 submitters: Uncertain significance (3); Benign (1). Last evaluated 2024-06-04.

Conditions:
Bethlem myopathy 1A. Also called: Bethlem Muscular Dystrophy; Bethlem myopathy 1; MYOPATHY, BENIGN CONGENITAL, WITH CONTRACTURES. Identifiers: Orphanet 610, MedGen CN029274, MONDO:0024530, OMIM 158810.
Inborn genetic diseases. Identifiers: MedGen C0950123, MeSH D030342.

Allele frequency attached by ClinVar (database versions not stated): gnomAD exomes 0.00002 and 0.00007; ExAC 0.00003; TOPMed 0.00005; gnomAD 0.00006 and 0.00007; ESP Exome Variant Server 0.00008; 1000 Genomes Project 30x 0.00016; 1000 Genomes Project 0.00040.
gnomAD v4.1: 117 of 1,612,464 alleles (0.0073%); highest among the groups gnomAD compares: Middle Eastern, 0.017%; no homozygotes.

Submissions (4):

Labcorp Genetics (formerly Invitae), Labcorp
Classification: Benign for Bethlem myopathy 1A. Last evaluated: 2024-06-04. Review status: criteria provided, single submitter. Criteria: Invitae Variant Classification Sherloc (09022015). Collection method: clinical testing. Allele origin: germline.

GeneDx
Classification: Uncertain significance. Last evaluated: 2023-03-14. Review status: criteria provided, single submitter. Criteria: GeneDx Variant Classification Process June 2021. Collection method: clinical testing. Allele origin: germline. Affected: yes.
Comment: Has not been previously published as pathogenic or benign to our knowledge; In silico analysis supports that this missense variant does not alter protein structure/function

Ambry Genetics
Classification: Uncertain significance for Inborn genetic diseases. Last evaluated: 2021-09-16. Review status: criteria provided, single submitter. Criteria: Ambry Variant Classification Scheme 2023. Collection method: clinical testing. Allele origin: germline.

Eurofins Ntd Llc (ga)
Classification: Uncertain significance. Last evaluated: 2018-08-23. Review status: criteria provided, single submitter. Criteria: EGL ClinVar v180209 classification definitions. Collection method: clinical testing. Allele origin: germline. Observed: 1 variant allele, 1 heterozygote.

NM_001848.3(COL6A1):c.2029C>T (p.Arg677Cys)

Gene: COL6A1 (collagen type VI alpha 1 chain; plus strand). Cytogenetic location: 21q22.3.
Variant type: single nucleotide variant.
Coding change: c.2029C>T on transcript NM_001848.3 (MANE Select); coding-DNA position 2029, C replaced by T.
Protein change: p.Arg677Cys; replaces arginine 677 with cysteine.
Molecular consequence: missense variant.
Genome position (GRCh38, 1-based): chr21:46,002,033, C>T. VCF-style: chr21-46002033-C-T. GRCh37 (hg19) VCF-style: chr21-47421947-C-T.
Other names: short protein forms R677C.
Identifiers: ClinVar variation 598481 (VCV000598481.16), dbSNP rs189623561, ClinGen allele CA10070722.
Genomic context (GRCh38, chr21:46,002,033, plus strand): 5'-CAGTCGTACGCGGGTGTGGTGCAGTACAGCCACAGCCAGATGCAGGAGCACGTGAGCCTG[C>T]GCAGCCCCAGCATCCGGAACGTGCAGGAGCTCAAGGAGTGAGTGCCCCACGCGGCCAGGA-3'
Protein context (NP_001839.2, residues 667-687): HSQMQEHVSL[Arg677Cys]SPSIRNVQEL